The following is an entry in ClinVar:

ClinVar aggregate classification (germline): Pathogenic/Likely pathogenic. Review status: criteria provided, multiple submitters, no conflicts (2 of 4 stars). 3 submissions from 3 submitters: Pathogenic (1); Likely pathogenic (2). Last evaluated 2024-04-09.

Conditions:
TCTN2-related disorder. Also called: TCTN2-related condition; TCTN2-related disorders. Identifiers: MedGen CN239412.
Meckel syndrome, type 8. Identifiers: Orphanet 564, MedGen C3836857, MONDO:0013482, OMIM 613885.
Joubert syndrome 24 (JBTS24). Identifiers: Orphanet 475, MedGen C4084841, MONDO:0014724, OMIM 616654.
Joubert syndrome and related disorders. Identifiers: Orphanet 140874, MedGen C5679612, MONDO:0015369.

Submissions (3):

Fulgent Genetics
Classification: Likely pathogenic for Meckel syndrome, type 8; Joubert syndrome 24. Last evaluated: 2024-04-09. Review status: criteria provided, single submitter. Criteria: ACMG Guidelines, 2015. Collection method: clinical testing. Allele origin: germline.

Blueprint Genetics
Classification: Likely pathogenic for TCTN2-related disorders. Last evaluated: 2024-02-23. Review status: criteria provided, single submitter. Criteria: ACMG Guidelines, 2015. Collection method: clinical testing. Allele origin: germline. Affected: yes. Observed: 1 variant allele.

Women's Health and Genetics/Laboratory Corporation of America, LabCorp
Classification: Pathogenic for Joubert syndrome and related disorders. Last evaluated: 2023-12-08. Review status: criteria provided, single submitter. Criteria: LabCorp Variant Classification Summary - May 2015. Collection method: clinical testing. Allele origin: germline.
Comment: Variant summary: TCTN2 c.1806dupT (p.Thr603TyrfsX3) results in a premature termination codon, predicted to cause a truncation of the encoded protein or absence of the protein due to nonsense mediated decay, which are commonly known mechanisms for disease. Variants downstream of this position have been classified as pathogenic in ClinVar. The variant was absent in 251490 control chromosomes (gnomAD). To our knowledge, no occurrence of c.1806dupT in individuals affected with Joubert Syndrome And Related Disorders and no experimental evidence demonstrating its impact on protein function have been reported. No submitters have cited clinical-significance assessments for this variant to ClinVar after 2014. Based on the evidence outlined above, the variant was classified as pathogenic.

NM_024809.5(TCTN2):c.1806dup (p.Thr603fs)

Gene: TCTN2 (tectonic family member 2; plus strand). Cytogenetic location: 12q24.31.
Variant type: Duplication.
Coding change: c.1806dup on transcript NM_024809.5 (MANE Select); coding-DNA position 1806, one base duplicated (T; older notation c.1806dupT).
Protein change: p.Thr603fs; shifts the reading frame from threonine 603.
Molecular consequence: frameshift variant.
Genome position (GRCh38, 1-based): chr12:123,706,762, T duplicated; the last of 2 consecutive T bases (chr12:123,706,761-123,706,762); duplicating either gives the same sequence. VCF-style (leftmost placement, unchanged base first): chr12-123706760-C-CT. GRCh37 (hg19) VCF-style: chr12-124191307-C-CT.
Other names: c.1803dup, p.Thr602fs (NM_001143850.3); c.1671dup, p.Thr558fs (NM_001410989.1); c.1806dupT (NM_024809.5); short protein forms T558fs, T602fs, T603fs.
Identifiers: ClinVar variation 2691565 (VCV002691565.3), dbSNP rs1956234424, ClinGen allele CA2068986432.